The following is an entry in ClinVar:

ClinVar aggregate classification (germline): Uncertain significance. Review status: criteria provided, single submitter (1 of 4 stars). 2 submissions from 2 submitters: Uncertain significance (1). 1 of the submissions does not count toward it. Last evaluated 2025-12-16.

Allele frequency attached by ClinVar (database versions not stated): ExAC 0.00001; gnomAD 0.00003; 1000 Genomes Project 30x 0.00031.
gnomAD v4.1: 25 of 1,614,124 alleles (0.0015%); highest among the groups gnomAD compares: South Asian, 0.011%; no homozygotes.

Submissions (2):

Ambry Genetics
Classification: Uncertain significance. Last evaluated: 2025-12-16. Review status: criteria provided, single submitter. Criteria: Ambry Variant Classification Scheme 2023. Collection method: clinical testing. Allele origin: germline.

Amrita Institute of Medical Sciences and Research Centre, Amrita Vishwa Vidyapeetham
Classification: Uncertain significance. Last evaluated: 2023-08-03. Review status: no assertion criteria provided. Collection method: clinical testing. Allele origin: germline. Affected: yes. Not counted in ClinVar's aggregate classification.
Comment: This variant is located in exon 10 of the SREBF2 gene. Based on insufficient evidence, the clinical significance of this alteration remains unclear

NM_004599.4(SREBF2):c.1846G>T (p.Ala616Ser)

Gene: SREBF2 (sterol regulatory element binding transcription factor 2; plus strand). Cytogenetic location: 22q13.2.
Variant type: single nucleotide variant.
Coding change: c.1846G>T on transcript NM_004599.4 (MANE Select); coding-DNA position 1846, G replaced by T.
Protein change: p.Ala616Ser; replaces alanine 616 with serine.
Molecular consequence: missense variant. On other transcripts: non-coding transcript variant (1).
Genome position (GRCh38, 1-based): chr22:41,880,800, G>T. VCF-style: chr22-41880800-G-T. GRCh37 (hg19) VCF-style: chr22-42276804-G-T.
Other names: short protein forms A616S.
Identifiers: ClinVar variation 3169918 (VCV003169918.3), dbSNP rs373591488, ClinGen allele CA10261774.
Genomic context (GRCh38, chr22:41,880,800, plus strand): 5'-AACCTACAAACCTGCCTGGCAGTTTTGGGCCGGGCACTGCCCACCTCCCGCCTGGACCTG[G>T]CCTGCAGCCTCTCCTGGAACGTGATCCGCTACAGCCTGCAGAAGCTACGCCTGGTGCGCT-3'
Protein context (NP_004590.2, residues 606-626): RALPTSRLDL[Ala616Ser]CSLSWNVIRY